The following is an entry in ClinVar:

ClinVar aggregate classification (germline): Uncertain significance (1 of 4 stars; one submission).

Submission:

Labcorp Genetics (formerly Invitae), Labcorp
Classification: Uncertain significance. Last evaluated: 2024-11-25. Review status: criteria provided, single submitter. Criteria: Invitae Variant Classification Sherloc (09022015). Collection method: clinical testing. Allele origin: germline.
Comment: This sequence change replaces lysine, which is basic and polar, with arginine, which is basic and polar, at codon 223 of the TIMM50 protein (p.Lys223Arg). This variant is not present in population databases (gnomAD no frequency). This variant has not been reported in the literature in individuals affected with TIMM50-related conditions. ClinVar contains an entry for this variant (Variation ID: 1714638). An algorithm developed to predict the effect of missense changes on protein structure and function (PolyPhen-2) suggests that this variant is likely to be tolerated. In summary, the available evidence is currently insufficient to determine the role of this variant in disease. Therefore, it has been classified as a Variant of Uncertain Significance.

NM_001001563.5(TIMM50):c.359A>G (p.Lys120Arg)

Gene: TIMM50 (translocase of inner mitochondrial membrane 50; plus strand). Cytogenetic location: 19q13.2.
Variant type: single nucleotide variant.
Coding change: c.359A>G on transcript NM_001001563.5 (MANE Select); coding-DNA position 359, A replaced by G.
Protein change: p.Lys120Arg; replaces lysine 120 with arginine.
Molecular consequence: missense variant. On other transcripts: intron variant (1).
Genome position (GRCh38, 1-based): chr19:39,485,589, A>G. VCF-style: chr19-39485589-A-G. GRCh37 (hg19) VCF-style: chr19-39976229-A-G.
Other names: c.34-99A>G (NM_001329559.2); short protein forms K120R.
Identifiers: ClinVar variation 1714638 (VCV001714638.5), dbSNP rs2514618703, ClinGen allele CA405787129.
Genomic context (GRCh38, chr19:39,485,589, plus strand): 5'-CTGGTGTTCTCCTAGATCCAATTCTGGTACAGCAGTTGCGCCGGACATACAAATATTTCA[A>G]AGATTATAGACAGGTGAGCAGAAGCCCTGGGCTCAGTCCCCATGTCTCCAGCCCTGGCCT-3'
Protein context (NP_001001563.2, residues 110-130): QQLRRTYKYF[Lys120Arg]DYRQMIIEPT